The following is an entry in ClinVar:

NM_001684.5(ATP2B4):c.3152C>A (p.Thr1051Asn)

Gene: ATP2B4 (ATPase plasma membrane Ca2+ transporting 4; plus strand). Cytogenetic location: 1q32.1.
Variant type: single nucleotide variant.
Coding change: c.3152C>A on transcript NM_001684.5 (MANE Select); coding-DNA position 3152, C replaced by A.
Protein change: p.Thr1051Asn; replaces threonine 1051 with asparagine.
Molecular consequence: missense variant.
Genome position (GRCh38, 1-based): chr1:203,727,414, C>A. VCF-style: chr1-203727414-C-A. GRCh37 (hg19) VCF-style: chr1-203696542-C-A.
Other names: c.3152C>A (NM_001684.4, NM_001001396.2); c.3152C>A, p.Thr1051Asn (NM_001001396.3, NM_001365783.2, NM_001365784.2); short protein forms T1051N.
Identifiers: ClinVar variation 1573345 (VCV001573345.36), dbSNP rs61825652, ClinGen allele CA1342069.
Genomic context (GRCh38, chr1:203,727,414, plus strand): 5'-GCTGATTCTGACGTCTTCCTCTTCGCTGCGCTTGTTTTCAGTTCATCTCCGCAATACCTA[C>A]CCGATCCCTGAAGTTCCTGAAGGAGGCTGGGCATGGCACCACCAAAGAGGAGATCACCAA-3'
Protein context (NP_001675.3, residues 1041-1061): LWGQFISAIP[Thr1051Asn]RSLKFLKEAG

ClinVar aggregate classification (germline): Conflicting classifications of pathogenicity. Review status: criteria provided, conflicting classifications (1 of 4 stars). 4 submissions from 4 submitters: Uncertain significance (1); Benign (1); Likely benign (1). 1 of the submissions does not count toward it. Last evaluated 2025-10-02.

Conditions:
ATP2B4-related disorder. Also called: ATP2B4-related condition.

Allele frequency attached by ClinVar (database versions not stated): ExAC 0.00076; gnomAD exomes 0.00084 and 0.00158; TOPMed 0.00094; gnomAD 0.00102 and 0.00105; ESP Exome Variant Server 0.00123.
gnomAD v4.1: 2,463 of 1,614,198 alleles (0.15%); highest among the groups gnomAD compares: Non-Finnish European, 0.2%; 4 homozygotes.

Submissions (4):

Labcorp Genetics (formerly Invitae), Labcorp
Classification: Likely benign. Last evaluated: 2025-10-02. Review status: criteria provided, single submitter. Criteria: Invitae Variant Classification Sherloc (09022015). Collection method: clinical testing. Allele origin: germline.

CeGaT Center for Human Genetics Tuebingen
Classification: Benign. Last evaluated: 2025-06-01. Review status: criteria provided, single submitter. Criteria: CeGaT Center For Human Genetics Tuebingen Variant Classification Criteria Version 2. Collection method: clinical testing. Allele origin: germline. Affected: yes. Observed: 1 variant allele.
Comment: ATP2B4: BS1, BS2

Ambry Genetics
Classification: Uncertain significance. Last evaluated: 2021-06-11. Review status: criteria provided, single submitter. Criteria: Ambry Variant Classification Scheme 2023. Collection method: clinical testing. Allele origin: germline.

PreventionGenetics, part of Exact Sciences
Classification: Likely benign for ATP2B4-related condition. Last evaluated: 2023-02-22. Review status: no assertion criteria provided. Collection method: clinical testing. Allele origin: germline. Not counted in ClinVar's aggregate classification.
Comment: This variant is classified as likely benign based on ACMG/AMP sequence variant interpretation guidelines (Richards et al. 2015 PMID: 25741868, with internal and published modifications).